The following is an entry in ClinVar:

ClinVar aggregate classification (germline): Uncertain significance (1 of 4 stars; one submission).

Conditions:
Atypical hemolytic-uremic syndrome. Identifiers: Orphanet 2134, MedGen C2931788, MONDO:0016244.
Mesangiocapillary glomerulonephritis. Also called: Membranoproliferative glomerulonephritis. Identifiers: MedGen C0017662, MONDO:0002461, HP:0000793.

gnomAD v4.1: 2 of 1,613,924 alleles (0.00012%); highest among the groups gnomAD compares: South Asian, 0.0011%; no homozygotes.

Submission:

Genomenon, Inc
Classification: Uncertain significance for Primary membranoproliferative glomerulonephritis. Last evaluated: 2025-09-26. Review status: criteria provided, single submitter. Criteria: Genomenon Sequence Variant Interpretation Standards - Updated. Collection method: curation. Allele origin: germline. Affected: yes.
Comment: DGKE p.Asp474Asn (c.1420G>A) is a missense variant that changes the amino acid at residue 474 from Aspartic acid to Asparagine. This variant has been observed in at least one proband affected with DGKE-related disorder (PMID:32363171). It is absent or not present at a significant frequency in gnomAD. In silico models agree that this variant is possibly or probably damaging. In conclusion, we classify DGKE p.Asp474Asn (c.1420G>A) as a variant of uncertain significance.

Literature cited by the submitters: PubMed 32363171.

NM_003647.3(DGKE):c.1420G>A (p.Asp474Asn)

Gene: DGKE (diacylglycerol kinase epsilon; plus strand). Cytogenetic location: 17q22.
Variant type: single nucleotide variant.
Coding change: c.1420G>A on transcript NM_003647.3 (MANE Select); coding-DNA position 1420, G replaced by A.
Protein change: p.Asp474Asn; replaces aspartic acid 474 with asparagine.
Molecular consequence: missense variant.
Genome position (GRCh38, 1-based): chr17:56,862,147, G>A. VCF-style: chr17-56862147-G-A. GRCh37 (hg19) VCF-style: chr17-54939508-G-A.
Other names: short protein forms D474N.
Identifiers: ClinVar variation 4280376 (VCV004280376.1).